The following is an entry in ClinVar:

NM_181776.3(SLC36A2):c.950G>C (p.Gly317Ala)

Gene: SLC36A2 (solute carrier family 36 member 2; minus strand). Cytogenetic location: 5q33.1.
Variant type: single nucleotide variant.
Coding change: c.950G>C on transcript NM_181776.3 (MANE Select); coding-DNA position 950, G replaced by C.
Protein change: p.Gly317Ala; replaces glycine 317 with alanine.
Molecular consequence: missense variant.
Genome position (GRCh38, 1-based): chr5:151,325,346, C>G on the plus strand (G>C on the coding strand, the complement: SLC36A2 is on the minus strand). VCF-style: chr5-151325346-C-G. GRCh37 (hg19) VCF-style: chr5-150704907-C-G.
Other names: c.950G>C (NM_181776.2); short protein forms G317A.
Identifiers: ClinVar variation 2184487 (VCV002184487.5), dbSNP rs146104200, ClinGen allele CA3518692.

ClinVar aggregate classification (germline): Uncertain significance. Review status: criteria provided, multiple submitters, no conflicts (2 of 4 stars). 2 submissions from 2 submitters: Uncertain significance (2). Last evaluated 2025-04-13.

Allele frequency attached by ClinVar (database versions not stated): ExAC 0.00012; TOPMed 0.00012; gnomAD 0.00013; gnomAD exomes 0.00022; ESP Exome Variant Server 0.00038.
gnomAD v4.1: 336 of 1,613,996 alleles (0.021%); highest among the groups gnomAD compares: Non-Finnish European, 0.026%; no homozygotes.

Submissions (2):

Ambry Genetics
Classification: Uncertain significance. Last evaluated: 2025-04-13. Review status: criteria provided, single submitter. Criteria: Ambry Variant Classification Scheme 2023. Collection method: clinical testing. Allele origin: germline.

Labcorp Genetics (formerly Invitae), Labcorp
Classification: Uncertain significance. Last evaluated: 2024-04-10. Review status: criteria provided, single submitter. Criteria: Invitae Variant Classification Sherloc (09022015). Collection method: clinical testing. Allele origin: germline.
Comment: This sequence change replaces glycine, which is neutral and non-polar, with alanine, which is neutral and non-polar, at codon 317 of the SLC36A2 protein (p.Gly317Ala). This variant is present in population databases (rs146104200, gnomAD 0.02%). This variant has not been reported in the literature in individuals affected with SLC36A2-related conditions. ClinVar contains an entry for this variant (Variation ID: 2184487). Advanced modeling of protein sequence and biophysical properties (such as structural, functional, and spatial information, amino acid conservation, physicochemical variation, residue mobility, and thermodynamic stability) performed at Invitae indicates that this missense variant is not expected to disrupt SLC36A2 protein function with a negative predictive value of 80%. In summary, the available evidence is currently insufficient to determine the role of this variant in disease. Therefore, it has been classified as a Variant of Uncertain Significance.